The following is an entry in ClinVar:

ClinVar aggregate classification (germline): Uncertain significance (1 of 4 stars; one submission).

Conditions:
Primary ciliary dyskinesia. Also called: Ciliary dyskinesia. Identifiers: Orphanet 244, MedGen C0008780, MONDO:0016575, HP:0012265.

Allele frequency attached by ClinVar (database versions not stated): ExAC 0.00001; gnomAD 0.00002; TOPMed 0.00002; gnomAD exomes 0.00003.
gnomAD v4.1: 51 of 1,613,954 alleles (0.0032%); highest among the groups gnomAD compares: Non-Finnish European, 0.004%; no homozygotes.

Submission:

Ambry Genetics
Classification: Uncertain significance for Primary ciliary dyskinesia. Last evaluated: 2024-04-27. Review status: criteria provided, single submitter. Criteria: Ambry Variant Classification Scheme 2023. Collection method: clinical testing. Allele origin: germline.
Comment: The p.R3436H variant (also known as c.10307G>A), located in coding exon 61 of the DNAH5 gene, results from a G to A substitution at nucleotide position 10307. The arginine at codon 3436 is replaced by histidine, an amino acid with highly similar properties. This amino acid position is highly conserved in available vertebrate species. In addition, the in silico prediction for this alteration is inconclusive. Since supporting evidence is limited at this time, the clinical significance of this alteration remains unclear.

NM_001369.3(DNAH5):c.10307G>A (p.Arg3436His)

Gene: DNAH5 (dynein axonemal heavy chain 5; minus strand). Cytogenetic location: 5p15.2.
Variant type: single nucleotide variant.
Coding change: c.10307G>A on transcript NM_001369.3 (MANE Select); coding-DNA position 10307, G replaced by A.
Protein change: p.Arg3436His; replaces arginine 3436 with histidine.
Molecular consequence: missense variant.
Genome position (GRCh38, 1-based): chr5:13,758,958, C>T on the plus strand (G>A on the coding strand, the complement: DNAH5 is on the minus strand). VCF-style: chr5-13758958-C-T. GRCh37 (hg19) VCF-style: chr5-13759067-C-T.
Other names: short protein forms R3436H.
Identifiers: ClinVar variation 1770973 (VCV001770973.3), dbSNP rs771010026, ClinGen allele CA3202279.